The following is an entry in ClinVar:

ClinVar aggregate classification (germline): Pathogenic (1 of 4 stars; one submission).

Conditions:
Rubinstein-Taybi syndrome (RSTS). Identifiers: Orphanet 783, MedGen C0035934, MONDO:0019188.

Submission:

Labcorp Genetics (formerly Invitae), Labcorp
Classification: Pathogenic for Rubinstein-Taybi syndrome. Last evaluated: 2022-02-01. Review status: criteria provided, single submitter. Criteria: Invitae Variant Classification Sherloc (09022015). Collection method: clinical testing. Allele origin: germline.
Comment: For these reasons, this variant has been classified as Pathogenic. This variant disrupts a region of the CREBBP protein in which other variant(s) (p.Pro1494Ser) have been determined to be pathogenic (Invitae). This suggests that this is a clinically significant region of the protein, and that variants that disrupt it are likely to be disease-causing. This variant has not been reported in the literature in individuals affected with CREBBP-related conditions. This variant is a gross deletion of the genomic region encompassing exon(s) 3-28 of the CREBBP gene. This variant would be expected to be in-frame, preserving the integrity of the reading frame.

NC_000016.9:g.(?_3786017)_(3860800_?)del

Gene: CREBBP (CREB binding lysine acetyltransferase; minus strand). Cytogenetic location: 16p13.3.
Variant type: Deletion.
Identifiers: ClinVar variation 2425094 (VCV002425094.4).